The following is an entry in ClinVar:

NM_002948.5(RPL15):c.124C>T (p.Pro42Ser)

Genes: NKIRAS1 (NFKB inhibitor interacting Ras like 1; minus strand), RPL15 (ribosomal protein L15; plus strand). Cytogenetic location: 3p24.2.
Variant type: single nucleotide variant.
Coding change: c.124C>T on transcript NM_002948.5 (MANE Select); coding-DNA position 124, C replaced by T.
Protein change: p.Pro42Ser; replaces proline 42 with serine.
Molecular consequence: missense variant. On other transcripts: intron variant (1).
Genome position (GRCh38, 1-based): chr3:23,917,983, C>T. VCF-style: chr3-23917983-C-T. GRCh37 (hg19) VCF-style: chr3-23959474-C-T.
Other names: c.124C>T, p.Pro42Ser (NM_001253380.2, NM_001253382.2, NM_001253383.3 and 2 more transcripts); c.-139-6533G>A (NM_001377380.1); short protein forms P42S.
Identifiers: ClinVar variation 1979895 (VCV001979895.3), dbSNP rs2471215084, ClinGen allele CA351881429.

ClinVar aggregate classification (germline): Uncertain significance (1 of 4 stars; one submission).

Submission:

Labcorp Genetics (formerly Invitae), Labcorp
Classification: Uncertain significance. Last evaluated: 2022-03-24. Review status: criteria provided, single submitter. Criteria: Invitae Variant Classification Sherloc (09022015). Collection method: clinical testing. Allele origin: germline.
Comment: This sequence change replaces proline, which is neutral and non-polar, with serine, which is neutral and polar, at codon 42 of the RPL15 protein (p.Pro42Ser). In summary, the available evidence is currently insufficient to determine the role of this variant in disease. Therefore, it has been classified as a Variant of Uncertain Significance. Algorithms developed to predict the effect of missense changes on protein structure and function (SIFT, PolyPhen-2, Align-GVGD) all suggest that this variant is likely to be disruptive. This variant has not been reported in the literature in individuals affected with RPL15-related conditions. This variant is not present in population databases (gnomAD no frequency).